The following is an entry in ClinVar:

NM_001267550.2(TTN):c.9050del (p.Arg3017fs)

Gene: TTN (titin; minus strand). Cytogenetic location: 2q31.2.
Variant type: Deletion.
Coding change: c.9050del on transcript NM_001267550.2 (MANE Select); coding-DNA position 9050, one base deleted (G; older notation c.9050delG).
Protein change: p.Arg3017fs; shifts the reading frame from arginine 3017.
Molecular consequence: frameshift variant.
Genome position (GRCh38, 1-based): chr2:178,768,786, C deleted on the plus strand (G on the coding strand, the reverse complement: TTN is on the minus strand). VCF-style (leftmost placement, unchanged base first): chr2-178768785-TC-T. GRCh37 (hg19) VCF-style: chr2-179633512-TC-T.
Other names: c.9050del, p.Arg3017fs (NM_001256850.1, NM_133378.4, NM_133379.5); c.8912del, p.Arg2971fs (NM_003319.4, NM_133432.3, NM_133437.4); short protein forms R2971fs, R3017fs.
Identifiers: ClinVar variation 2007303 (VCV002007303.4), dbSNP rs2532400175, ClinGen allele CA2580065180.

ClinVar aggregate classification (germline): Likely pathogenic (1 of 4 stars; one submission).

Conditions:
Dilated cardiomyopathy 1G (CMD1G). Identifiers: Orphanet 154, MedGen C1858763, MONDO:0011400, OMIM 604145.
Autosomal recessive limb-girdle muscular dystrophy type 2J (LGMDR10). Also called: Limb-girdle muscular dystrophy, type 2J; MUSCULAR DYSTROPHY, LIMB-GIRDLE, AUTOSOMAL RECESSIVE 10. Identifiers: Orphanet 140922, MedGen C1837342, MONDO:0012127, OMIM 608807.

Submission:

Labcorp Genetics (formerly Invitae), Labcorp
Classification: Likely pathogenic for Dilated cardiomyopathy 1G; Autosomal recessive limb-girdle muscular dystrophy type 2J. Last evaluated: 2024-10-18. Review status: criteria provided, single submitter. Criteria: Invitae Variant Classification Sherloc (09022015). Collection method: clinical testing. Allele origin: germline.
Comment: This sequence change creates a premature translational stop signal (p.Arg3017Lysfs*9) in the TTN gene. While this is not anticipated to result in nonsense mediated decay, it is expected to create a truncated TTN protein. This variant is not present in population databases (gnomAD no frequency). This variant has not been reported in the literature in individuals affected with TTN-related conditions. ClinVar contains an entry for this variant (Variation ID: 2007303). This variant is located in the I band of TTN (PMID: 25589632). Truncating variants in this region have been reported in individuals affected with autosomal recessive centronuclear myopathy (PMID: 23975875, internal data). Truncating variants in this region have also been identified in individuals affected with autosomal dominant dilated cardiomyopathy and/or cardio-related conditions (PMID: 27869827, 32964742, internal data). In summary, the currently available evidence indicates that the variant is pathogenic, but additional data are needed to prove that conclusively. Therefore, this variant has been classified as Likely Pathogenic.

Literature cited by the submitters: PubMed 25589632; PubMed 23975875; PubMed 27869827; PubMed 32964742.